The following is an entry in ClinVar:

ClinVar aggregate classification (germline): Pathogenic (1 of 4 stars; one submission).

Conditions:
Loeys-Dietz syndrome 4 (LDS4). Also called: ANEURYSM, AORTIC AND CEREBRAL, WITH ARTERIAL TORTUOSITY AND SKELETAL MANIFESTATIONS; TGFB2-Related Loeys-Dietz Syndrome. Identifiers: MedGen C3553762, MONDO:0013897, OMIM 614816.

Submission:

Labcorp Genetics (formerly Invitae), Labcorp
Classification: Pathogenic for Loeys-Dietz syndrome 4. Last evaluated: 2023-08-22. Review status: criteria provided, single submitter. Criteria: Invitae Variant Classification Sherloc (09022015). Collection method: clinical testing. Allele origin: germline.
Comment: For these reasons, this variant has been classified as Pathogenic. This sequence change creates a premature translational stop signal (p.Arg153Valfs*25) in the TGFB2 gene. It is expected to result in an absent or disrupted protein product. Loss-of-function variants in TGFB2 are known to be pathogenic (PMID: 22772368, 22772371, 30739908). This variant is not present in population databases (gnomAD no frequency). This variant has not been reported in the literature in individuals affected with TGFB2-related conditions.

Literature cited by the submitters: PubMed 22772368; PubMed 22772371; PubMed 30739908.

NM_003238.6(TGFB2):c.457del (p.Arg153fs)

Gene: TGFB2 (transforming growth factor beta 2; plus strand). Cytogenetic location: 1q41.
Variant type: Deletion.
Coding change: c.457del on transcript NM_003238.6 (MANE Select); coding-DNA position 457, one base deleted (C; older notation c.457delC).
Protein change: p.Arg153fs; shifts the reading frame from arginine 153.
Molecular consequence: frameshift variant. On other transcripts: non-coding transcript variant (2).
Genome position (GRCh38, 1-based): chr1:218,405,279, C deleted. VCF-style (leftmost placement, unchanged base first): chr1-218405278-TC-T. GRCh37 (hg19) VCF-style: chr1-218578620-TC-T.
Other names: c.541del, p.Arg181fs (NM_001135599.4); short protein forms R153fs, R181fs.
Identifiers: ClinVar variation 2754425 (VCV002754425.3), dbSNP rs2464758031, ClinGen allele CA2697554956.